The following is an entry in ClinVar:

ClinVar aggregate classification (germline): Likely pathogenic (1 of 4 stars; one submission).

Conditions:
Pyogenic granuloma. Also called: Lobular capillary hemangioma; PG. Identifiers: MedGen C0085653, MONDO:0022096.

Submission:

Clinical Genomics Laboratory, Washington University in St. Louis
Classification: Likely pathogenic for Pyogenic granuloma. Last evaluated: 2023-09-08. Review status: criteria provided, single submitter. Criteria: ACMG Guidelines, 2015. Collection method: clinical testing. Allele origin: somatic. Affected: yes.
Comment: The NRAS c.191_196dup (p.Ser65_Ala66insAspSer) variant was identified at an allelic fraction consistent with somatic origin and, to our knowledge, has not been reported in the medical literature. This variant is absent from the general population (gnomAD v.3.1.2), indicating it is not a common variant. NRAS c.191_196dup (p.Ser65_Ala66insAspSer) resides within a region, amino acids 59-67, of NRAS that is defined as a critical functional domain (Schubbert S et al., PMID: 17384584). Computational predictors are uncertain as to the impact of this variant on NRAS function. This variant is predicted to cause a change in the length of the protein due to an in-frame duplication of 2 amino acids in a non-repeat region. Based on an internally-developed protocol informed by the ACMG/AMP guidelines (Richards S et al., PMID: 25741868) and gene-specific practices from the ClinGen RASopathy Expert Panel Specification Registry, the NRAS c.191_196dup (p.Ser65_Ala66insAspSer) variant is classified as likely pathogenic.

NM_002524.5(NRAS):c.191_196dup (p.Ser65_Ala66insAspSer)

Gene: NRAS (NRAS proto-oncogene, GTPase; minus strand). Cytogenetic location: 1p13.2.
Variant type: Duplication.
Coding change: c.191_196dup on transcript NM_002524.5 (MANE Select); coding-DNA positions 191 to 196, 6 bases duplicated (ACAGTG; older notation c.191_196dupACAGTG).
Protein change: p.Ser65_Ala66insAspSer.
Molecular consequence: inframe insertion.
Genome position (GRCh38, 1-based): chr1:114,713,894-114,713,899, CACTGT duplicated on the plus strand (ACAGTG on the coding strand, the reverse complement: NRAS is on the minus strand). VCF-style (leftmost placement, unchanged base first): chr1-114713893-G-GCACTGT. GRCh37 (hg19) VCF-style: chr1-115256514-G-GCACTGT.
Identifiers: ClinVar variation 2672090 (VCV002672090.1), dbSNP rs2526451323, ClinGen allele CA2695199868.